The following is an entry in ClinVar:

ClinVar aggregate classification (germline): Conflicting classifications of pathogenicity. Review status: criteria provided, conflicting classifications (1 of 4 stars). 4 submissions from 4 submitters: Uncertain significance (1); Likely benign (3). Last evaluated 2026-01-26.

Conditions:
Hereditary angioedema type 1 (HAE1). Identifiers: Orphanet 100050, Orphanet 100051, Orphanet 91378, MedGen C2717906, MONDO:0015053, OMIM 106100.
Inborn genetic diseases. Identifiers: MedGen C0950123, MeSH D030342.

Allele frequency attached by ClinVar (database versions not stated): TOPMed 0.00005; gnomAD 0.00006 and 0.00005; ExAC 0.00008; gnomAD exomes 0.00009.
gnomAD v4.1: 137 of 1,613,758 alleles (0.0085%); highest among the groups gnomAD compares: Middle Eastern, 0.36%; no homozygotes.

Submissions (4):

Labcorp Genetics (formerly Invitae), Labcorp
Classification: Likely benign. Last evaluated: 2026-01-26. Review status: criteria provided, single submitter. Criteria: Invitae Variant Classification Sherloc (09022015). Collection method: clinical testing. Allele origin: germline.

Ambry Genetics
Classification: Uncertain significance for Inborn genetic diseases. Last evaluated: 2022-04-06. Review status: criteria provided, single submitter. Criteria: Ambry Variant Classification Scheme 2023. Collection method: clinical testing. Allele origin: germline.
Comment: The p.T82S variant (also known as c.244A>T), located in coding exon 2 of the SERPING1 gene, results from an A to T substitution at nucleotide position 244. The threonine at codon 82 is replaced by serine, an amino acid with similar properties. This amino acid position is conserved. In addition, this alteration is predicted to be tolerated by in silico analysis. Since supporting evidence is limited at this time, the clinical significance of this alteration remains unclear.

Illumina Laboratory Services, Illumina
Classification: Likely benign for Hereditary angioedema type 1. Last evaluated: 2018-01-13. Review status: criteria provided, single submitter. Criteria: ICSL Variant Classification Criteria 13 December 2019. Collection method: clinical testing. Allele origin: germline.
Comment: This variant was observed in the ICSL laboratory as part of a predisposition screen in an ostensibly healthy population. It had not been previously curated by ICSL or reported in the Human Gene Mutation Database (HGMD: prior to June 1st, 2018), and was therefore a candidate for classification through an automated scoring system. Utilizing variant allele frequency, disease prevalence and penetrance estimates, and inheritance mode, an automated score was calculated to assess if this variant is too frequent to cause the disease. Based on the score and internal cut-off values, a variant classified as likely benign is not then subjected to further curation. The score for this variant resulted in a classification of likely benign for this disease.

Breakthrough Genomics
Classification: Likely benign. Review status: criteria provided, single submitter. Criteria: ACMG Guidelines, 2015. Collection method: not provided. Allele origin: germline. Inheritance: Autosomal recessive inheritance. Affected: yes.

NM_000062.3(SERPING1):c.244A>T (p.Thr82Ser)

Gene: SERPING1 (serpin family G member 1; plus strand). Cytogenetic location: 11q12.1.
Variant type: single nucleotide variant.
Coding change: c.244A>T on transcript NM_000062.3 (MANE Select); coding-DNA position 244, A replaced by T.
Protein change: p.Thr82Ser; replaces threonine 82 with serine.
Molecular consequence: missense variant.
Genome position (GRCh38, 1-based): chr11:57,600,071, A>T. VCF-style: chr11-57600071-A-T. GRCh37 (hg19) VCF-style: chr11-57367544-A-T.
Other names: c.244A>T, p.Thr82Ser (NM_001032295.2); short protein forms T82S.
Identifiers: ClinVar variation 879579 (VCV000879579.14), dbSNP rs147409450, ClinGen allele CA6008004.
Genomic context (GRCh38, chr11:57,600,071, plus strand): 5'-GTTTCCAGCTTGCCGACAACCAACTCAACAACCAATTCAGCCACCAAAATAACAGCTAAT[A>T]CCACTGATGAACCCACCACACAACCCACCACAGAGCCCACCACCCAACCCACCATCCAAC-3'
Protein context (NP_000053.2, residues 72-92): TNSATKITAN[Thr82Ser]TDEPTTQPTT